The following is an entry in ClinVar:

ClinVar aggregate classification (germline): Uncertain significance (1 of 4 stars; one submission).

Conditions:
Renal cell carcinoma. Identifiers: Orphanet 217071, MedGen C0007134, MeSH D002292, MONDO:0005086, HP:0005584.

gnomAD v4.1: 1 of 1,614,012 alleles (0.000062%); highest among the groups gnomAD compares: Non-Finnish European, 0.000085%; no homozygotes.

Submission:

Labcorp Genetics (formerly Invitae), Labcorp
Classification: Uncertain significance for Renal cell carcinoma. Last evaluated: 2024-03-28. Review status: criteria provided, single submitter. Criteria: Invitae Variant Classification Sherloc (09022015). Collection method: clinical testing. Allele origin: germline.
Comment: This sequence change replaces proline, which is neutral and non-polar, with serine, which is neutral and polar, at codon 1264 of the MET protein (p.Pro1264Ser). This variant is not present in population databases (gnomAD no frequency). This variant has not been reported in the literature in individuals affected with MET-related conditions. Advanced modeling of protein sequence and biophysical properties (such as structural, functional, and spatial information, amino acid conservation, physicochemical variation, residue mobility, and thermodynamic stability) performed at Invitae indicates that this missense variant is expected to disrupt MET protein function with a positive predictive value of 80%. In summary, the available evidence is currently insufficient to determine the role of this variant in disease. Therefore, it has been classified as a Variant of Uncertain Significance.

NM_000245.4(MET):c.3736C>T (p.Pro1246Ser)

Gene: MET (MET proto-oncogene, receptor tyrosine kinase; plus strand). Cytogenetic location: 7q31.2.
Variant type: single nucleotide variant.
Coding change: c.3736C>T on transcript NM_000245.4 (MANE Select); coding-DNA position 3736, C replaced by T.
Protein change: p.Pro1246Ser; replaces proline 1246 with serine.
Molecular consequence: missense variant.
Genome position (GRCh38, 1-based): chr7:116,783,407, C>T. VCF-style: chr7-116783407-C-T. GRCh37 (hg19) VCF-style: chr7-116423461-C-T.
Other names: c.3790C>T, p.Pro1264Ser (NM_001127500.3); c.2446C>T, p.Pro816Ser (NM_001324402.2); short protein forms P1246S, P1264S, P816S.
Identifiers: ClinVar variation 3647993 (VCV003647993.2).